The following is an entry in ClinVar:

NM_000255.4(MMUT):c.1846C>T (p.Arg616Cys)

Gene: MMUT (methylmalonyl-CoA mutase; minus strand). Cytogenetic location: 6p12.3.
Variant type: single nucleotide variant.
Coding change: c.1846C>T on transcript NM_000255.4 (MANE Select); coding-DNA position 1846, C replaced by T.
Protein change: p.Arg616Cys; replaces arginine 616 with cysteine.
Molecular consequence: missense variant.
Genome position (GRCh38, 1-based): chr6:49,440,316, G>A on the plus strand (C>T on the coding strand, the complement: MMUT is on the minus strand). VCF-style: chr6-49440316-G-A. GRCh37 (hg19) VCF-style: chr6-49408029-G-A.
Other names: short protein forms R616C.
Identifiers: ClinVar variation 551499 (VCV000551499.15), dbSNP rs765284825, ClinGen allele CA3846722.

ClinVar aggregate classification (germline): Pathogenic/Likely pathogenic. Review status: criteria provided, multiple submitters, no conflicts (2 of 4 stars). 6 submissions from 6 submitters: Pathogenic (4); Likely pathogenic (1). 1 of the submissions does not count toward it. Last evaluated 2025-12-08.

Conditions:
Methylmalonic aciduria due to methylmalonyl-CoA mutase deficiency (MAMM). Also called: Methylmalonic aciduria, mut type. Identifiers: Orphanet 27, MedGen C1855114, MONDO:0009612, OMIM 251000.
Methylmalonic aciduria due to complete methylmalonyl-CoA mutase deficiency.
Methylmalonic acidemia (MMA). Also called: Isolated Methylmalonic Acidemia. Identifiers: MedGen C0268583, MeSH C537358, MONDO:0002012, HP:0002912.

Allele frequency attached by ClinVar (database versions not stated): TOPMed below 0.00001; gnomAD 0.00001; gnomAD exomes 0.00001 and 0.00002; ExAC 0.00003.
gnomAD v4.1: 13 of 1,613,862 alleles (0.00081%); highest among the groups gnomAD compares: Admixed American, 0.0067%; no homozygotes.

Submissions (6):

Natera, Inc.
Classification: Pathogenic for Methylmalonic aciduria due to complete methylmalonyl-CoA mutase deficiency. Last evaluated: 2025-12-08. Review status: criteria provided, single submitter. Criteria: Natera Variant Classification Schema (03/2026). Collection method: clinical testing. Allele origin: germline.
Comment: The c.1846C>T variant in MMUT is a missense variant predicted to cause substitution of arginine to cysteine at amino acid 616. This variant is rare in the general population with a frequency below the threshold expected for the associated phenotype(s). This variant has been observed in one or more individuals affected with the associated recessive disease, as either homozygous or compound heterozygous with a second variant (PMID: 20549364, 16281286). Computational prediction algorithms indicate this variant is likely to affect gene or protein function. Given the available evidence, this variant is classified as Pathogenic.

Labcorp Genetics (formerly Invitae), Labcorp
Classification: Pathogenic. Last evaluated: 2025-09-09. Review status: criteria provided, single submitter. Criteria: Invitae Variant Classification Sherloc (09022015). Collection method: clinical testing. Allele origin: germline.
Comment: This sequence change replaces arginine, which is basic and polar, with cysteine, which is neutral and slightly polar, at codon 616 of the MUT protein (p.Arg616Cys). This variant is present in population databases (rs765284825, gnomAD 0.009%). This missense change has been observed in individual(s) with methylmalonic aciduria (PMID: 15781192, 16281286, 20549364, 26790480, 30209273). In at least one individual the data is consistent with being in trans (on the opposite chromosome) from a pathogenic variant. ClinVar contains an entry for this variant (Variation ID: 551499). Invitae Evidence Modeling of protein sequence and biophysical properties (such as structural, functional, and spatial information, amino acid conservation, physicochemical variation, residue mobility, and thermodynamic stability) indicates that this missense variant is expected to disrupt MUT protein function with a positive predictive value of 95%. Experimental studies have shown that this missense change affects MUT function (PMID: 19955418). For these reasons, this variant has been classified as Pathogenic.

Fulgent Genetics
Classification: Pathogenic for Methylmalonic aciduria due to methylmalonyl-CoA mutase deficiency. Last evaluated: 2021-12-18. Review status: criteria provided, single submitter. Criteria: ACMG Guidelines, 2015. Collection method: clinical testing. Allele origin: unknown.

Women's Health and Genetics/Laboratory Corporation of America, LabCorp
Classification: Pathogenic for Methylmalonic acidemia. Last evaluated: 2021-11-26. Review status: criteria provided, single submitter. Criteria: LabCorp Variant Classification Summary - May 2015. Collection method: clinical testing. Allele origin: germline.
Comment: Variant summary: MUT c.1846C>T (p.Arg616Cys) results in a non-conservative amino acid change located in the Cobalamin (vitamin B12)-binding domain of the encoded protein sequence. Five of five in-silico tools predict a damaging effect of the variant on protein function. The variant allele was found at a frequency of 2.4e-05 in 251264 control chromosomes. c.1846C>T has been reported in the literature in individuals affected with Methylmalonic Acidemia (Martinez_2005, Harrington_2016, Chu_2016). These data indicate that the variant is likely to be associated with disease. At least one publication reports experimental evidence evaluating an impact on protein function. The most pronounced variant effect results in <10% of normal activity (Merinero_2008). Two clinical diagnostic laboratories have submitted clinical-significance assessments for this variant to ClinVar after 2014 without evidence for independent evaluation. Both laboratories classified the variant as pathogenic/likely pathogenic. Based on the evidence outlined above, the variant was classified as pathogenic.

Greenwood Genetic Center Diagnostic Laboratories, Greenwood Genetic Center
Classification: Likely pathogenic for Methylmalonic aciduria due to methylmalonyl-CoA mutase deficiency. Last evaluated: 2021-09-29. Review status: criteria provided, single submitter. Criteria: ACMG Guidelines, 2015. Collection method: clinical testing. Allele origin: germline. Affected: yes.
Comment: PS3, PP3, PM2, PM3

Counsyl
Classification: Likely pathogenic for Methylmalonic aciduria due to methylmalonyl-CoA mutase deficiency. Last evaluated: 2017-04-14. Review status: no assertion criteria provided. Collection method: clinical testing. Allele origin: unknown. Not counted in ClinVar's aggregate classification.

Literature cited by the submitters: PubMed 20549364 (cited by 3 submitters); PubMed 16281286 (cited by 3 submitters); PubMed 15781192 (cited by Labcorp Genetics (formerly Invitae), Labcorp and Women's Health and Genetics/Laboratory Corporation of America, LabCorp); PubMed 26790480 (cited by Labcorp Genetics (formerly Invitae), Labcorp and Women's Health and Genetics/Laboratory Corporation of America, LabCorp); PubMed 30209273 (cited by Labcorp Genetics (formerly Invitae), Labcorp); PubMed 19955418 (cited by Labcorp Genetics (formerly Invitae), Labcorp and Counsyl); PubMed 27233228 (cited by Women's Health and Genetics/Laboratory Corporation of America, LabCorp); PubMed 17957493 (cited by Women's Health and Genetics/Laboratory Corporation of America, LabCorp); PubMed 23045948 (cited by Counsyl).